The following is an entry in ClinVar:

NM_002890.3(RASA1):c.299_319del (p.93AGVAGAA[1])

Gene: RASA1 (RAS p21 protein activator 1; plus strand). Cytogenetic location: 5q14.3.
Variant type: Deletion.
Coding change: c.299_319del on transcript NM_002890.3 (MANE Select); coding-DNA positions 299 to 319, 21 bases deleted (CTGGCGTGGCCGGTGCTGCTG).
Protein change: p.93AGVAGAA[1].
Molecular consequence: inframe deletion.
Genome position (GRCh38, 1-based): chr5:87,268,750-87,268,770, CTGGCGTGGCCGGTGCTGCTG deleted; deleting any 21 consecutive bases within chr5:87,268,740-87,268,770 gives the same sequence; the c. name uses the placement nearest the transcript's 3' end. VCF-style (leftmost placement, unchanged base first): chr5-87268739-TGGTGCTGCTGCTGGCGTGGCC-T. GRCh37 (hg19) VCF-style: chr5-86564556-TGGTGCTGCTGCTGGCGTGGCC-T.
Identifiers: ClinVar variation 2713288 (VCV002713288.3), dbSNP rs771844907, ClinGen allele CA3335388.

ClinVar aggregate classification (germline): Uncertain significance (1 of 4 stars; one submission).

Conditions:
Capillary malformation-arteriovenous malformation syndrome. Also called: Capillary malformation-arteriovenous malformation. Identifiers: Orphanet 137667, MedGen C1842180, MONDO:0012016.

Submission:

Labcorp Genetics (formerly Invitae), Labcorp
Classification: Uncertain significance for Capillary malformation-arteriovenous malformation syndrome. Last evaluated: 2025-02-27. Review status: criteria provided, single submitter. Criteria: Invitae Variant Classification Sherloc (09022015). Collection method: clinical testing. Allele origin: germline.
Comment: This variant, c.299_319del, results in the deletion of 7 amino acid(s) of the RASA1 protein (p.Ala100_Ala106del), but otherwise preserves the integrity of the reading frame. This variant is present in population databases (rs775227380, gnomAD 0.003%). This variant has not been reported in the literature in individuals affected with RASA1-related conditions. ClinVar contains an entry for this variant (Variation ID: 2713288). In summary, the available evidence is currently insufficient to determine the role of this variant in disease. Therefore, it has been classified as a Variant of Uncertain Significance.